The following is an entry in ClinVar:

NM_021942.6(TRAPPC11):c.3236A>G (p.Asn1079Ser)

Gene: TRAPPC11 (trafficking protein particle complex subunit 11; plus strand). Cytogenetic location: 4q35.1.
Variant type: single nucleotide variant.
Coding change: c.3236A>G on transcript NM_021942.6 (MANE Select); coding-DNA position 3236, A replaced by G.
Protein change: p.Asn1079Ser; replaces asparagine 1079 with serine.
Molecular consequence: missense variant. On other transcripts: intron variant (1).
Genome position (GRCh38, 1-based): chr4:183,708,453, A>G. VCF-style: chr4-183708453-A-G. GRCh37 (hg19) VCF-style: chr4-184629606-A-G.
Other names: c.3199+37A>G (NM_199053.3); short protein forms N1079S.
Identifiers: ClinVar variation 541346 (VCV000541346.11), dbSNP rs898762603, ClinGen allele CA111870625.
Genomic context (GRCh38, chr4:183,708,453, plus strand): 5'-TTTTTATGATGCAGATTCGATTACGTATCCTCCCTGGCACGGAGCAGGAAATGCTATATA[A>G]TTTCTATCCTCTGATGGCTGGATACCAGCAGCTGCCATCTCTCAACATCAACTTGCTTAG-3'
Protein context (NP_068761.4, residues 1069-1089): LPGTEQEMLY[Asn1079Ser]FYPLMAGYQQ

ClinVar aggregate classification (germline): Uncertain significance. Review status: criteria provided, multiple submitters, no conflicts (2 of 4 stars). 4 submissions from 4 submitters: Uncertain significance (4). Last evaluated 2025-08-18.

Conditions:
Autosomal recessive limb-girdle muscular dystrophy type R18 (LGMDR18). Also called: Limb-girdle muscular dystrophy, type 2S; MUSCULAR DYSTROPHY, LIMB-GIRDLE, AUTOSOMAL RECESSIVE 18; Autosomal recessive limb-girdle muscular dystrophy type 2S. Identifiers: Orphanet 369840, MedGen C4517996, MONDO:0014144, OMIM 615356.

Allele frequency attached by ClinVar (database versions not stated): gnomAD exomes below 0.00001; gnomAD 0.00001; TOPMed 0.00002.
gnomAD v4.1: 2 of 1,613,968 alleles (0.00012%); highest among the groups gnomAD compares: Admixed American, 0.0033%; no homozygotes.

Submissions (4):

Labcorp Genetics (formerly Invitae), Labcorp
Classification: Uncertain significance for Autosomal recessive limb-girdle muscular dystrophy type R18. Last evaluated: 2025-08-18. Review status: criteria provided, single submitter. Criteria: Invitae Variant Classification Sherloc (09022015). Collection method: clinical testing. Allele origin: germline.
Comment: This sequence change replaces asparagine, which is neutral and polar, with serine, which is neutral and polar, at codon 1079 of the TRAPPC11 protein (p.Asn1079Ser). This variant is present in population databases (no rsID available, gnomAD 0.003%). This variant has not been reported in the literature in individuals affected with TRAPPC11-related conditions. ClinVar contains an entry for this variant (Variation ID: 541346). Invitae Evidence Modeling of protein sequence and biophysical properties (such as structural, functional, and spatial information, amino acid conservation, physicochemical variation, residue mobility, and thermodynamic stability) has been performed for this missense variant. However, the output from this modeling did not meet the statistical confidence thresholds required to predict the impact of this variant on TRAPPC11 protein function. In summary, the available evidence is currently insufficient to determine the role of this variant in disease. Therefore, it has been classified as a Variant of Uncertain Significance.

GeneDx
Classification: Uncertain significance. Last evaluated: 2024-11-03. Review status: criteria provided, single submitter. Criteria: GeneDx Variant Classification Process June 2021. Collection method: clinical testing. Allele origin: germline. Affected: yes.
Comment: Not observed at significant frequency in large population cohorts (gnomAD); In silico analysis supports that this missense variant has a deleterious effect on protein structure/function; Has not been previously published as pathogenic or benign to our knowledge

Revvity Omics, Revvity
Classification: Uncertain significance for Autosomal recessive limb-girdle muscular dystrophy type R18. Last evaluated: 2024-01-30. Review status: criteria provided, single submitter. Criteria: ACMG Guidelines, 2015. Collection method: clinical testing. Allele origin: germline.

Athena Diagnostics
Classification: Uncertain significance. Last evaluated: 2023-01-09. Review status: criteria provided, single submitter. Criteria: Athena Diagnostics Criteria. Collection method: clinical testing. Allele origin: unknown.
Comment: Available data are insufficient to determine the clinical significance of the variant at this time. The frequency of this variant in the general population is uninformative in assessment of its pathogenicity. Computational tools disagree on the variant's effect on normal protein function.